The following is an entry in ClinVar:

ClinVar aggregate classification (germline): Uncertain significance (1 of 4 stars; one submission).

Conditions:
Cystic fibrosis (CF). Also called: MUCOVISCIDOSIS. Identifiers: Orphanet 586, MedGen C0010674, MONDO:0009061, OMIM 219700. Disease mechanism: loss of function.

gnomAD v4.1: 1 of 1,613,812 alleles (0.000062%); highest among the groups gnomAD compares: Non-Finnish European, 0.000085%; no homozygotes.

Submission:

Ambry Genetics
Classification: Uncertain significance for Cystic fibrosis. Last evaluated: 2023-05-02. Review status: criteria provided, single submitter. Criteria: Ambry Variant Classification Scheme 2023. Collection method: clinical testing. Allele origin: germline.
Comment: The p.K114N variant (also known as c.342G>C), located in coding exon 4 of the CFTR gene, results from a G to C substitution at nucleotide position 342. The lysine at codon 114 is replaced by asparagine, an amino acid with similar properties. This amino acid position is conserved. In addition, the in silico prediction for this alteration is inconclusive. Since supporting evidence is limited at this time, the clinical significance of this alteration remains unclear.

NM_000492.4(CFTR):c.342G>C (p.Lys114Asn)

Gene: CFTR (CF transmembrane conductance regulator; plus strand). Cytogenetic location: 7q31.2.
Variant type: single nucleotide variant.
Coding change: c.342G>C on transcript NM_000492.4 (MANE Select); coding-DNA position 342, G replaced by C.
Protein change: p.Lys114Asn; replaces lysine 114 with asparagine.
Molecular consequence: missense variant.
Genome position (GRCh38, 1-based): chr7:117,530,967, G>C. VCF-style: chr7-117530967-G-C. GRCh37 (hg19) VCF-style: chr7-117171021-G-C.
Other names: short protein forms K114N.
Identifiers: ClinVar variation 2567881 (VCV002567881.2), dbSNP rs1798851768, ClinGen allele CA368974430.